The following is an entry in ClinVar:

NM_000143.4(FH):c.1161C>T (p.Val387=)

Gene: FH (fumarate hydratase; minus strand). Cytogenetic location: 1q43.
Variant type: single nucleotide variant.
Coding change: c.1161C>T on transcript NM_000143.4 (MANE Select); coding-DNA position 1161, C replaced by T.
Protein change: p.Val387=; no amino-acid change (valine 387 retained).
Molecular consequence: synonymous variant.
Genome position (GRCh38, 1-based): chr1:241,502,518, G>A on the plus strand (C>T on the coding strand, the complement: FH is on the minus strand). VCF-style: chr1-241502518-G-A. GRCh37 (hg19) VCF-style: chr1-241665818-G-A.
Identifiers: ClinVar variation 1736898 (VCV001736898.6), dbSNP rs1408439928, ClinGen allele CA424075690.

ClinVar aggregate classification (germline): Benign/Likely benign. Review status: criteria provided, multiple submitters, no conflicts (2 of 4 stars). 3 submissions from 3 submitters: Benign (1); Likely benign (2). Last evaluated 2024-10-21.

Conditions:
Hereditary cancer-predisposing syndrome. Also called: Tumor predisposition; Neoplastic Syndromes, Hereditary; Hereditary Cancer Syndrome; Hereditary neoplastic syndrome. Identifiers: Orphanet 140162, MedGen C0027672, MeSH D009386, MONDO:0015356.
Hereditary leiomyomatosis and renal cell cancer. Also called: LEIOMYOMA, MULTIPLE CUTANEOUS; MULTIPLE CUTANEOUS AND UTERINE LEIOMYOMATA 1, WITH OR WITHOUT RENAL CELL CARCINOMA; FH tumor predisposition syndrome; Reed syndrome; Multiple cutaneous and uterine leiomyomatosis; Cutaneous leiomyomata with uterine leiomyomata. Identifiers: Orphanet 523, MedGen C1708350, MONDO:0007888, OMIM 150800, HP:0007437. Disease mechanism: loss of function.

Allele frequency attached by ClinVar (database versions not stated): gnomAD 0.00001.
gnomAD v4.1: 2 of 1,614,014 alleles (0.00012%); highest among the groups gnomAD compares: African/African-American, 0.0027%; no homozygotes.

Submissions (3):

Myriad Genetics, Inc.
Classification: Benign for Hereditary leiomyomatosis and renal cell cancer. Last evaluated: 2024-10-21. Review status: criteria provided, single submitter. Criteria: Myriad Autosomal Dominant, Autosomal Recessive and X-Linked Classification Criteria (2023). Collection method: clinical testing. Allele origin: unknown.
Comment: This variant is considered benign. This variant is a silent/synonymous amino acid change and it is not expected to impact splicing.

Labcorp Genetics (formerly Invitae), Labcorp
Classification: Likely benign. Last evaluated: 2024-03-26. Review status: criteria provided, single submitter. Criteria: Invitae Variant Classification Sherloc (09022015). Collection method: clinical testing. Allele origin: germline.

Ambry Genetics
Classification: Likely benign for Hereditary cancer-predisposing syndrome. Last evaluated: 2020-06-15. Review status: criteria provided, single submitter. Criteria: Ambry Variant Classification Scheme 2023. Collection method: clinical testing. Allele origin: germline.